The following is an entry in ClinVar:

ClinVar aggregate classification (germline): Benign/Likely benign. Review status: criteria provided, multiple submitters, no conflicts (2 of 4 stars). 4 submissions from 4 submitters: Benign (2); Likely benign (2). Last evaluated 2026-01-21.

Allele frequency attached by ClinVar (database versions not stated): 1000 Genomes Project 30x 0.00016; 1000 Genomes Project 0.00020; ESP Exome Variant Server 0.00022; gnomAD 0.00042 and 0.00045; TOPMed 0.00048; gnomAD exomes 0.00064; ExAC 0.00128.
gnomAD v4.1: 426 of 1,551,758 alleles (0.027%); highest among the groups gnomAD compares: African/African-American, 0.059%; 3 homozygotes.

Submissions (4):

Labcorp Genetics (formerly Invitae), Labcorp
Classification: Benign. Last evaluated: 2026-01-21. Review status: criteria provided, single submitter. Criteria: Invitae Variant Classification Sherloc (09022015). Collection method: clinical testing. Allele origin: germline.

CeGaT Center for Human Genetics Tuebingen
Classification: Likely benign. Last evaluated: 2025-07-01. Review status: criteria provided, single submitter. Criteria: CeGaT Center For Human Genetics Tuebingen Variant Classification Criteria Version 2. Collection method: clinical testing. Allele origin: germline. Affected: yes. Observed: 1 variant allele.
Comment: ZSWIM6: BP4, BP7

Blueprint Genetics
Classification: Likely benign. Last evaluated: 2024-06-11. Review status: criteria provided, single submitter. Criteria: ACMG Guidelines, 2015. Collection method: clinical testing. Allele origin: germline.

Breakthrough Genomics
Classification: Benign. Review status: criteria provided, single submitter. Criteria: ACMG Guidelines, 2015. Collection method: not provided. Allele origin: germline. Inheritance: Autosomal dominant inheritance. Affected: yes.

NM_020928.2(ZSWIM6):c.2937C>T (p.Ser979=)

Gene: ZSWIM6 (zinc finger SWIM-type containing 6; plus strand). Cytogenetic location: 5q12.1.
Variant type: single nucleotide variant.
Coding change: c.2937C>T on transcript NM_020928.2 (MANE Select); coding-DNA position 2937, C replaced by T.
Protein change: p.Ser979=; no amino-acid change (serine 979 retained).
Molecular consequence: synonymous variant.
Genome position (GRCh38, 1-based): chr5:61,543,606, C>T. VCF-style: chr5-61543606-C-T. GRCh37 (hg19) VCF-style: chr5-60839433-C-T.
Identifiers: ClinVar variation 735803 (VCV000735803.20), dbSNP rs372648564, ClinGen allele CA3278492.